The following is an entry in ClinVar:

ClinVar aggregate classification (germline): Uncertain significance (1 of 4 stars; one submission).

gnomAD v4.1: 2 of 1,614,156 alleles (0.00012%); highest among the groups gnomAD compares: Admixed American, 0.0033%; no homozygotes.

Submission:

Women's Health and Genetics/Laboratory Corporation of America, LabCorp
Classification: Uncertain significance. Last evaluated: 2025-10-30. Review status: criteria provided, single submitter. Criteria: LabCorp Variant Classification Summary - May 2015. Collection method: clinical testing. Allele origin: germline.
Comment: Variant summary: MAPK8IP3 c.1129A>G (p.Ile377Val) results in a conservative amino acid change in the encoded protein sequence. Algorithms developed to predict the effect of missense changes on protein structure and function are either unavailable or do not agree on the potential impact of this missense change. The variant allele was found at a frequency of 8e-06 in 249482 control chromosomes. The available data on variant occurrences in the general population are insufficient to allow any conclusion about variant significance. To our knowledge, no occurrence of c.1129A>G in individuals affected with MAPK8IP3-related conditions and no experimental evidence demonstrating its impact on protein function have been reported. No submitters have cited clinical-significance assessments for this variant to ClinVar. Based on the evidence outlined above, the variant was classified as uncertain significance.

NM_001318852.2(MAPK8IP3):c.1132A>G (p.Ile378Val)

Gene: MAPK8IP3 (mitogen-activated protein kinase 8 interacting protein 3; plus strand). Cytogenetic location: 16p13.3.
Variant type: single nucleotide variant.
Coding change: c.1132A>G on transcript NM_001318852.2 (MANE Select); coding-DNA position 1132, A replaced by G.
Protein change: p.Ile378Val; replaces isoleucine 378 with valine.
Molecular consequence: missense variant.
Genome position (GRCh38, 1-based): chr16:1,748,636, A>G. VCF-style: chr16-1748636-A-G. GRCh37 (hg19) VCF-style: chr16-1798637-A-G.
Other names: c.1129A>G, p.Ile377Val (NM_001040439.2, NM_015133.5); short protein forms I377V, I378V.
Identifiers: ClinVar variation 4687248 (VCV004687248.1).
Genomic context (GRCh38, chr16:1,748,636, plus strand): 5'-CTCTCCCGACCTGTGGATCCCAACAGCCCAACCCAGGGCATCGTGAACAAAGCTTTCGGC[A>G]TCAACACCGACTCCCTGTACCATGAGCTGTCGACGGCAGGGTCTGAGGTCATCGGGGATG-3'
Protein context (NP_001305781.1, residues 368-388): TQGIVNKAFG[Ile378Val]NTDSLYHELS